The following is an entry in ClinVar:

NM_016580.4(PCDH12):c.2785C>T (p.Arg929Cys)

Genes: RNF14 (ring finger protein 14; plus strand), PCDH12 (protocadherin 12; minus strand). Cytogenetic location: 5q31.3.
Variant type: single nucleotide variant.
Coding change: c.2785C>T on transcript NM_016580.4 (MANE Select); coding-DNA position 2785, C replaced by T.
Protein change: p.Arg929Cys; replaces arginine 929 with cysteine.
Molecular consequence: missense variant.
Genome position (GRCh38, 1-based): chr5:141,955,067, G>A on the plus strand (C>T on the coding strand, the complement: PCDH12 is on the minus strand). VCF-style: chr5-141955067-G-A. GRCh37 (hg19) VCF-style: chr5-141334632-G-A.
Other names: c.2785C>T (NM_016580.2); short protein forms R929C.
Identifiers: ClinVar variation 2186603 (VCV002186603.2), dbSNP rs182860036, ClinGen allele CA3484137.

ClinVar aggregate classification (germline): Uncertain significance. Review status: criteria provided, multiple submitters, no conflicts (2 of 4 stars). 2 submissions from 2 submitters: Uncertain significance (2). Last evaluated 2025-03-28.

Conditions:
Inborn genetic diseases. Identifiers: MedGen C0950123, MeSH D030342.

Allele frequency attached by ClinVar (database versions not stated): 1000 Genomes Project 0.00020; gnomAD exomes 0.00003; 1000 Genomes Project 30x 0.00031; TOPMed 0.00001; gnomAD 0.00004; ExAC 0.00002.
gnomAD v4.1: 48 of 1,614,226 alleles (0.003%); highest among the groups gnomAD compares: Admixed American, 0.017%; no homozygotes.

Submissions (2):

Ambry Genetics
Classification: Uncertain significance for Inborn genetic diseases. Last evaluated: 2025-03-28. Review status: criteria provided, single submitter. Criteria: Ambry Variant Classification Scheme 2023. Collection method: clinical testing. Allele origin: germline.

Labcorp Genetics (formerly Invitae), Labcorp
Classification: Uncertain significance. Last evaluated: 2022-03-31. Review status: criteria provided, single submitter. Criteria: Invitae Variant Classification Sherloc (09022015). Collection method: clinical testing. Allele origin: germline.
Comment: This sequence change replaces arginine, which is basic and polar, with cysteine, which is neutral and slightly polar, at codon 929 of the PCDH12 protein (p.Arg929Cys). This variant is present in population databases (rs182860036, gnomAD 0.01%). This variant has not been reported in the literature in individuals affected with PCDH12-related conditions. Advanced modeling of protein sequence and biophysical properties (such as structural, functional, and spatial information, amino acid conservation, physicochemical variation, residue mobility, and thermodynamic stability) performed at Invitae indicates that this missense variant is not expected to disrupt PCDH12 protein function. In summary, the available evidence is currently insufficient to determine the role of this variant in disease. Therefore, it has been classified as a Variant of Uncertain Significance.